The following is an entry in ClinVar:

NM_020937.4(FANCM):c.964A>T (p.Met322Leu)

Gene: FANCM (FA complementation group M; plus strand). Cytogenetic location: 14q21.2.
Variant type: single nucleotide variant.
Coding change: c.964A>T on transcript NM_020937.4 (MANE Select); coding-DNA position 964, A replaced by T.
Protein change: p.Met322Leu; replaces methionine 322 with leucine.
Molecular consequence: missense variant.
Genome position (GRCh38, 1-based): chr14:45,151,442, A>T. VCF-style: chr14-45151442-A-T. GRCh37 (hg19) VCF-style: chr14-45620645-A-T.
Other names: c.886A>T, p.Met296Leu (NM_001308133.2); c.964A>T, p.Met322Leu (NM_001308134.2); short protein forms M296L, M322L.
Identifiers: ClinVar variation 964357 (VCV000964357.9), dbSNP rs1886810282, ClinGen allele CA389590565.

ClinVar aggregate classification (germline): Uncertain significance (1 of 4 stars; one submission).

Conditions:
Fanconi anemia (FA). Also called: Fanconi's anemia. Identifiers: Orphanet 84, MedGen C0015625, MeSH D005199, MONDO:0019391.

Allele frequency attached by ClinVar (database versions not stated): gnomAD exomes below 0.00001.
gnomAD v4.1: 1 of 1,613,286 alleles (0.000062%); highest among the groups gnomAD compares: Non-Finnish European, 0.000085%; no homozygotes.

Submission:

Labcorp Genetics (formerly Invitae), Labcorp
Classification: Uncertain significance for Fanconi anemia. Last evaluated: 2020-03-28. Review status: criteria provided, single submitter. Criteria: Invitae Variant Classification Sherloc (09022015). Collection method: clinical testing. Allele origin: germline.
Comment: This variant has not been reported in the literature in individuals with FANCM-related conditions. In summary, the available evidence is currently insufficient to determine the role of this variant in disease. Therefore, it has been classified as a Variant of Uncertain Significance. Algorithms developed to predict the effect of missense changes on protein structure and function (SIFT, PolyPhen-2, Align-GVGD) all suggest that this variant is likely to be tolerated, but these predictions have not been confirmed by published functional studies and their clinical significance is uncertain. This variant is not present in population databases (ExAC no frequency). This sequence change replaces methionine with leucine at codon 322 of the FANCM protein (p.Met322Leu). The methionine residue is weakly conserved and there is a small physicochemical difference between methionine and leucine.